The following is an entry in ClinVar:

NM_001303256.3(MORC2):c.2780T>C (p.Phe927Ser)

Gene: MORC2 (MORC family CW-type zinc finger 2; minus strand). Cytogenetic location: 22q12.2.
Variant type: single nucleotide variant.
Coding change: c.2780T>C on transcript NM_001303256.3 (MANE Select); coding-DNA position 2780, T replaced by C.
Protein change: p.Phe927Ser; replaces phenylalanine 927 with serine.
Molecular consequence: missense variant.
Genome position (GRCh38, 1-based): chr22:30,932,420, A>G on the plus strand (T>C on the coding strand, the complement: MORC2 is on the minus strand). VCF-style: chr22-30932420-A-G. GRCh37 (hg19) VCF-style: chr22-31328407-A-G.
Other names: c.2780T>C, p.Phe927Ser (NM_001303257.2); c.2594T>C, p.Phe865Ser (NM_014941.3); short protein forms F865S, F927S.
Identifiers: ClinVar variation 4975274 (VCV004975274.1).

ClinVar aggregate classification (germline): Uncertain significance (1 of 4 stars; one submission).

Submission:

GeneDx
Classification: Uncertain significance. Last evaluated: 2026-01-22. Review status: criteria provided, single submitter. Criteria: GeneDx Variant Classification Process June 2021. Collection method: clinical testing. Allele origin: germline.
Comment: Not observed at significant frequency in large population cohorts (gnomAD); In silico analysis supports that this missense variant has a deleterious effect on protein structure/function; Has not been previously published as pathogenic or benign to our knowledge